The following is an entry in ClinVar:

NM_003477.3(PDHX):c.526A>G (p.Ile176Val)

Gene: PDHX (pyruvate dehydrogenase complex component X; plus strand). Cytogenetic location: 11p13.
Variant type: single nucleotide variant.
Coding change: c.526A>G on transcript NM_003477.3 (MANE Select); coding-DNA position 526, A replaced by G.
Protein change: p.Ile176Val; replaces isoleucine 176 with valine.
Molecular consequence: missense variant. On other transcripts: intron variant (1).
Genome position (GRCh38, 1-based): chr11:34,957,567, A>G. VCF-style: chr11-34957567-A-G. GRCh37 (hg19) VCF-style: chr11-34979114-A-G.
Other names: p.Ile176Val; c.346A>G, p.Ile116Val (NM_001135024.2); c.342+9961A>G (NM_001166158.2); short protein forms I176V, I116V.
Identifiers: ClinVar variation 378346 (VCV000378346.6), dbSNP rs767427196, ClinGen allele CA5945885.

ClinVar aggregate classification (germline): Uncertain significance. Review status: criteria provided, multiple submitters, no conflicts (2 of 4 stars). 4 submissions from 4 submitters: Uncertain significance (4). Last evaluated 2025-07-22.

Conditions:
Inborn genetic diseases. Identifiers: MedGen C0950123, MeSH D030342.

Allele frequency attached by ClinVar (database versions not stated): gnomAD 0.00004; gnomAD exomes 0.00006 and 0.00007; ExAC 0.00006; TOPMed 0.00003.
gnomAD v4.1: 106 of 1,613,448 alleles (0.0066%); highest among the groups gnomAD compares: Admixed American, 0.0083%; no homozygotes.

Submissions (4):

Mayo Clinic Laboratories, Mayo Clinic
Classification: Uncertain significance. Last evaluated: 2025-07-22. Review status: criteria provided, single submitter. Criteria: ACMG Guidelines, 2015. Collection method: clinical testing. Allele origin: germline. Observed: 1 variant allele.
Comment: BP4_moderate, PM2_supporting

GeneDx
Classification: Uncertain significance. Last evaluated: 2025-06-06. Review status: criteria provided, single submitter. Criteria: GeneDx Variant Classification Process June 2021. Collection method: clinical testing. Allele origin: germline. Affected: yes.
Comment: In silico analysis suggests that this missense variant does not alter protein structure/function; Has not been previously published as pathogenic or benign to our knowledge

Ambry Genetics
Classification: Uncertain significance for Inborn genetic diseases. Last evaluated: 2025-01-08. Review status: criteria provided, single submitter. Criteria: Ambry Variant Classification Scheme 2023. Collection method: clinical testing. Allele origin: germline.

Labcorp Genetics (formerly Invitae), Labcorp
Classification: Uncertain significance. Last evaluated: 2022-07-08. Review status: criteria provided, single submitter. Criteria: Invitae Variant Classification Sherloc (09022015). Collection method: clinical testing. Allele origin: germline.
Comment: In summary, the available evidence is currently insufficient to determine the role of this variant in disease. Therefore, it has been classified as a Variant of Uncertain Significance. Algorithms developed to predict the effect of sequence changes on RNA splicing suggest that this variant may create or strengthen a splice site. Algorithms developed to predict the effect of missense changes on protein structure and function (SIFT, PolyPhen-2, Align-GVGD) all suggest that this variant is likely to be tolerated. ClinVar contains an entry for this variant (Variation ID: 378346). This variant has not been reported in the literature in individuals affected with PDHX-related conditions. This variant is present in population databases (rs767427196, gnomAD 0.02%). This sequence change replaces isoleucine, which is neutral and non-polar, with valine, which is neutral and non-polar, at codon 176 of the PDHX protein (p.Ile176Val).